The following is an entry in ClinVar:

NM_024675.4(PALB2):c.648T>G (p.Ile216Met)

Gene: PALB2 (partner and localizer of BRCA2; minus strand). Cytogenetic location: 16p12.2.
Variant type: single nucleotide variant.
Coding change: c.648T>G on transcript NM_024675.4 (MANE Select); coding-DNA position 648, T replaced by G.
Protein change: p.Ile216Met; replaces isoleucine 216 with methionine.
Molecular consequence: missense variant.
Genome position (GRCh38, 1-based): chr16:23,635,898, A>C on the plus strand (T>G on the coding strand, the complement: PALB2 is on the minus strand). VCF-style: chr16-23635898-A-C. GRCh37 (hg19) VCF-style: chr16-23647219-A-C.
Other names: short protein forms I216M.
Identifiers: ClinVar variation 649494 (VCV000649494.9), dbSNP rs1597098670, ClinGen allele CA395136518.

ClinVar aggregate classification (germline): Uncertain significance (1 of 4 stars; one submission).

Conditions:
Familial cancer of breast. Also called: hereditary breast carcinoma; Hereditary breast cancer; BREAST CANCER, FAMILIAL. Identifiers: Orphanet 227535, MedGen C0346153, MONDO:0016419, OMIM 114480. Disease mechanism: loss of function.

Submission:

Labcorp Genetics (formerly Invitae), Labcorp
Classification: Uncertain significance for Familial cancer of breast. Last evaluated: 2018-11-15. Review status: criteria provided, single submitter. Criteria: Invitae Variant Classification Sherloc (09022015). Collection method: clinical testing. Allele origin: germline.
Comment: In summary, the available evidence is currently insufficient to determine the role of this variant in disease. Therefore, it has been classified as a Variant of Uncertain Significance. Algorithms developed to predict the effect of missense changes on protein structure and function (SIFT, PolyPhen-2, Align-GVGD) all suggest that this variant is likely to be tolerated, but these predictions have not been confirmed by published functional studies and their clinical significance is uncertain. This variant has not been reported in the literature in individuals with PALB2-related disease. This variant is not present in population databases (ExAC no frequency). This sequence change replaces isoleucine with methionine at codon 216 of the PALB2 protein (p.Ile216Met). The isoleucine residue is weakly conserved and there is a small physicochemical difference between isoleucine and methionine.